The following is an entry in ClinVar:

ClinVar aggregate classification (germline): Uncertain significance (1 of 4 stars; one submission).

Allele frequency attached by ClinVar (database versions not stated): TOPMed below 0.00001.

Submission:

Ambry Genetics
Classification: Uncertain significance. Last evaluated: 2022-09-25. Review status: criteria provided, single submitter. Criteria: Ambry Variant Classification Scheme 2023. Collection method: clinical testing. Allele origin: germline.
Comment: The p.F697L variant (also known as c.2089T>C), located in coding exon 1 of the MLH3 gene, results from a T to C substitution at nucleotide position 2089. The phenylalanine at codon 697 is replaced by leucine, an amino acid with highly similar properties. This amino acid position is conserved. In addition, this alteration is predicted to be tolerated by in silico analysis. Since supporting evidence is limited at this time, the clinical significance of this alteration remains unclear.

NM_001040108.2(MLH3):c.2089T>C (p.Phe697Leu)

Gene: MLH3 (mutL homolog 3; minus strand). Cytogenetic location: 14q24.3.
Variant type: single nucleotide variant.
Coding change: c.2089T>C on transcript NM_001040108.2 (MANE Select); coding-DNA position 2089, T replaced by C.
Protein change: p.Phe697Leu; replaces phenylalanine 697 with leucine.
Molecular consequence: missense variant.
Genome position (GRCh38, 1-based): chr14:75,047,567, A>G on the plus strand (T>C on the coding strand, the complement: MLH3 is on the minus strand). VCF-style: chr14-75047567-A-G. GRCh37 (hg19) VCF-style: chr14-75514270-A-G.
Other names: c.2089T>C, p.Phe697Leu (NM_014381.3); short protein forms F697L.
Identifiers: ClinVar variation 1785694 (VCV001785694.2), dbSNP rs1892337194, ClinGen allele CA390441851.